The following is an entry in ClinVar:

NM_005763.4(AASS):c.1278+1G>T

Gene: AASS (aminoadipate-semialdehyde synthase; minus strand). Cytogenetic location: 7q31.32.
Variant type: single nucleotide variant.
Coding change: c.1278+1G>T on transcript NM_005763.4 (MANE Select); the canonical splice donor site of the intron after coding-DNA position 1278, G replaced by T.
Molecular consequence: splice donor variant.
Genome position (GRCh38, 1-based): chr7:122,113,117, C>A on the plus strand (G>T on the coding strand, the complement: AASS is on the minus strand). VCF-style: chr7-122113117-C-A. GRCh37 (hg19) VCF-style: chr7-121753171-C-A.
Identifiers: ClinVar variation 4721356 (VCV004721356.1).
Genomic context (GRCh38, chr7:122,113,117, plus strand): 5'-AATTACTCAATTATTCAATTTAAAGCCACAGAGTTGTTACTGATATTACCAGTCTGCTTA[C>A]CATTTCTTCAACATAAGGGTAAAGCATGTCTCCAAAGCATTCTGTAGCTTCAATTGGGAG-3'

ClinVar aggregate classification (germline): Likely pathogenic (1 of 4 stars; one submission).

gnomAD v4.1: 1 of 1,611,474 alleles (0.000062%); highest among the groups gnomAD compares: South Asian, 0.0011%; no homozygotes.

Submission:

Labcorp Genetics (formerly Invitae), Labcorp
Classification: Likely pathogenic. Last evaluated: 2025-06-19. Review status: criteria provided, single submitter. Criteria: Invitae Variant Classification Sherloc (09022015). Collection method: clinical testing. Allele origin: germline.
Comment: This sequence change affects a donor splice site in intron 11 of the AASS gene. It is expected to disrupt RNA splicing. Variants that disrupt the donor or acceptor splice site typically lead to a loss of protein function (PMID: 16199547), and loss-of-function variants in AASS are known to be pathogenic (PMID: 23570448, 23890588). This variant is not present in population databases (gnomAD no frequency). This variant has not been reported in the literature in individuals affected with AASS-related conditions. Algorithms developed to predict the effect of sequence changes on RNA splicing suggest that this variant may disrupt the consensus splice site. In summary, the currently available evidence indicates that the variant is pathogenic, but additional data are needed to prove that conclusively. Therefore, this variant has been classified as Likely Pathogenic.

Literature cited by the submitters: PubMed 16199547; PubMed 23570448; PubMed 23890588.